The following is an entry in ClinVar:

ClinVar aggregate classification (germline): Likely benign (1 of 4 stars; one submission).

Allele frequency attached by ClinVar (database versions not stated): gnomAD 0.00001; gnomAD exomes 0.00001; TOPMed 0.00001.
gnomAD v4.1: 15 of 1,613,754 alleles (0.00093%); highest among the groups gnomAD compares: African/African-American, 0.0027%; no homozygotes.

Submission:

GeneDx
Classification: Likely benign. Last evaluated: 2017-07-18. Review status: criteria provided, single submitter. Criteria: GeneDx Variant Classification (06012015). Collection method: clinical testing. Allele origin: germline. Affected: yes.
Comment: This variant is considered likely benign or benign based on one or more of the following criteria: it is a conservative change, it occurs at a poorly conserved position in the protein, it is predicted to be benign by multiple in silico algorithms, and/or has population frequency not consistent with disease.

NM_007347.5(AP4E1):c.2496G>A (p.Ser832=)

Gene: AP4E1 (adaptor related protein complex 4 subunit epsilon 1; plus strand). Cytogenetic location: 15q21.2.
Variant type: single nucleotide variant.
Coding change: c.2496G>A on transcript NM_007347.5 (MANE Select); coding-DNA position 2496, G replaced by A.
Protein change: p.Ser832=; no amino-acid change (serine 832 retained).
Molecular consequence: synonymous variant.
Genome position (GRCh38, 1-based): chr15:50,997,475, G>A. VCF-style: chr15-50997475-G-A. GRCh37 (hg19) VCF-style: chr15-51289672-G-A.
Other names: c.2271G>A, p.Ser757= (NM_001252127.2).
Identifiers: ClinVar variation 510944 (VCV000510944.1), dbSNP rs766289893, ClinGen allele CA270525882.